The following is an entry in ClinVar:

NM_001854.4(COL11A1):c.4306C>T (p.Pro1436Ser)

Gene: COL11A1 (collagen type XI alpha 1 chain; minus strand). Cytogenetic location: 1p21.1.
Variant type: single nucleotide variant.
Coding change: c.4306C>T on transcript NM_001854.4 (MANE Select); coding-DNA position 4306, C replaced by T.
Protein change: p.Pro1436Ser; replaces proline 1436 with serine.
Molecular consequence: missense variant. On other transcripts: non-coding transcript variant (1).
Genome position (GRCh38, 1-based): chr1:102,890,501, G>A on the plus strand (C>T on the coding strand, the complement: COL11A1 is on the minus strand). VCF-style: chr1-102890501-G-A. GRCh37 (hg19) VCF-style: chr1-103356057-G-A.
Other names: c.3958C>T, p.Pro1320Ser (NM_001168249.1, NM_080630.4); c.4189C>T, p.Pro1397Ser (NM_001190709.2); c.4342C>T, p.Pro1448Ser (NM_080629.3); short protein forms P1320S, P1397S, P1436S, P1448S.
Identifiers: ClinVar variation 2121514 (VCV002121514.4), dbSNP rs1450778119, ClinGen allele CA341212912.
Genomic context (GRCh38, chr1:102,890,501, plus strand): 5'-TTATTCTCACCTTTTCACCCTTGGAGCCAGGGTCACCTTTGAGACCAGGTAAGCCAGGAG[G>A]TCCCTAAATAATAACAAAAAAAAAACCCCAAAACAAAAACAGAGTAGGTATGAATTAGAG-3'
Protein context (NP_001845.3, residues 1426-1446): GQDGPPGPMG[Pro1436Ser]PGLPGLKGDP

ClinVar aggregate classification (germline): Uncertain significance (1 of 4 stars; one submission).

Submission:

Labcorp Genetics (formerly Invitae), Labcorp
Classification: Uncertain significance. Last evaluated: 2022-04-04. Review status: criteria provided, single submitter. Criteria: Invitae Variant Classification Sherloc (09022015). Collection method: clinical testing. Allele origin: germline.
Comment: This sequence change replaces proline, which is neutral and non-polar, with serine, which is neutral and polar, at codon 1436 of the COL11A1 protein (p.Pro1436Ser). This variant is not present in population databases (gnomAD no frequency). This variant has not been reported in the literature in individuals affected with COL11A1-related conditions. Advanced modeling of protein sequence and biophysical properties (such as structural, functional, and spatial information, amino acid conservation, physicochemical variation, residue mobility, and thermodynamic stability) performed at Invitae indicates that this missense variant is not expected to disrupt COL11A1 protein function. In summary, the available evidence is currently insufficient to determine the role of this variant in disease. Therefore, it has been classified as a Variant of Uncertain Significance.